The following is an entry in ClinVar:

ClinVar aggregate classification (germline): Uncertain significance (1 of 4 stars; one submission).

gnomAD v4.1: 14 of 1,613,442 alleles (0.00087%); highest among the groups gnomAD compares: South Asian, 0.0033%; 1 homozygote.

Submission:

Labcorp Genetics (formerly Invitae), Labcorp
Classification: Uncertain significance. Last evaluated: 2024-04-20. Review status: criteria provided, single submitter. Criteria: Invitae Variant Classification Sherloc (09022015). Collection method: clinical testing. Allele origin: germline.
Comment: This sequence change replaces glutamic acid, which is acidic and polar, with lysine, which is basic and polar, at codon 685 of the CLCN6 protein (p.Glu685Lys). This variant is present in population databases (no rsID available, gnomAD 0.005%). This variant has not been reported in the literature in individuals affected with CLCN6-related conditions. An algorithm developed to predict the effect of missense changes on protein structure and function (PolyPhen-2) suggests that this variant is likely to be tolerated. In summary, the available evidence is currently insufficient to determine the role of this variant in disease. Therefore, it has been classified as a Variant of Uncertain Significance.

NM_001286.5(CLCN6):c.2053G>A (p.Glu685Lys)

Gene: CLCN6 (chloride voltage-gated channel 6; plus strand). Cytogenetic location: 1p36.22.
Variant type: single nucleotide variant.
Coding change: c.2053G>A on transcript NM_001286.5 (MANE Select); coding-DNA position 2053, G replaced by A.
Protein change: p.Glu685Lys; replaces glutamic acid 685 with lysine.
Molecular consequence: missense variant. On other transcripts: non-coding transcript variant (1).
Genome position (GRCh38, 1-based): chr1:11,837,071, G>A. VCF-style: chr1-11837071-G-A. GRCh37 (hg19) VCF-style: chr1-11897128-G-A.
Other names: c.1987G>A, p.Glu663Lys (NM_001256959.2); short protein forms E685K, E663K.
Identifiers: ClinVar variation 3699119 (VCV003699119.2).